The following is an entry in ClinVar:

NM_024753.5(TTC21B):c.1816G>A (p.Asp606Asn)

Gene: TTC21B (tetratricopeptide repeat domain 21B; minus strand). Cytogenetic location: 2q24.3.
Variant type: single nucleotide variant.
Coding change: c.1816G>A on transcript NM_024753.5 (MANE Select); coding-DNA position 1816, G replaced by A.
Protein change: p.Asp606Asn; replaces aspartic acid 606 with asparagine.
Molecular consequence: missense variant.
Genome position (GRCh38, 1-based): chr2:165,917,340, C>T on the plus strand (G>A on the coding strand, the complement: TTC21B is on the minus strand). VCF-style: chr2-165917340-C-T. GRCh37 (hg19) VCF-style: chr2-166773850-C-T.
Other names: c.1816G>A (NM_024753.3); short protein forms D606N.
Identifiers: ClinVar variation 2081709 (VCV002081709.3), dbSNP rs763485309, ClinGen allele CA1942013.

ClinVar aggregate classification (germline): Uncertain significance. Review status: criteria provided, multiple submitters, no conflicts (2 of 4 stars). 3 submissions from 3 submitters: Uncertain significance (3). Last evaluated 2025-01-07.

Conditions:
Inborn genetic diseases. Identifiers: MedGen C0950123, MeSH D030342.
Jeune thoracic dystrophy. Also called: Short-rib thoracic dysplasia; Jeune syndrome; Infantile thoracic dystrophy; Thoracic pelvic phalangeal dystrophy; Jeune's syndrome; Chondroectodermal dysplasia-like syndrome. Identifiers: Orphanet 474, MedGen C0265275, MONDO:0018770.
Nephronophthisis. Also called: Juvenile Nephronophthisis. Identifiers: Orphanet 655, MedGen C0687120, MONDO:0019005, HP:0000090.

Allele frequency attached by ClinVar (database versions not stated): ExAC 0.00002; gnomAD exomes 0.00003; TOPMed 0.00004; gnomAD 0.00008.
gnomAD v4.1: 53 of 1,614,030 alleles (0.0033%); highest among the groups gnomAD compares: Admixed American, 0.017%; no homozygotes.

Submissions (3):

Ambry Genetics
Classification: Uncertain significance for Inborn genetic diseases. Last evaluated: 2025-01-07. Review status: criteria provided, single submitter. Criteria: Ambry Variant Classification Scheme 2023. Collection method: clinical testing. Allele origin: germline.

Blueprint Genetics
Classification: Uncertain significance. Last evaluated: 2022-07-13. Review status: criteria provided, single submitter. Criteria: ACMG Guidelines, 2015. Collection method: clinical testing. Allele origin: germline.

Labcorp Genetics (formerly Invitae), Labcorp
Classification: Uncertain significance for Jeune thoracic dystrophy; Nephronophthisis. Last evaluated: 2022-07-12. Review status: criteria provided, single submitter. Criteria: Invitae Variant Classification Sherloc (09022015). Collection method: clinical testing. Allele origin: germline.
Comment: This sequence change replaces aspartic acid, which is acidic and polar, with asparagine, which is neutral and polar, at codon 606 of the TTC21B protein (p.Asp606Asn). The frequency data for this variant in the population databases is considered unreliable, as metrics indicate poor data quality at this position in the gnomAD database. This variant has not been reported in the literature in individuals affected with TTC21B-related conditions. Algorithms developed to predict the effect of missense changes on protein structure and function (SIFT, PolyPhen-2, Align-GVGD) all suggest that this variant is likely to be tolerated. In summary, the available evidence is currently insufficient to determine the role of this variant in disease. Therefore, it has been classified as a Variant of Uncertain Significance.